The following is an entry in ClinVar:

NM_000257.4(MYH7):c.2812G>T (p.Ala938Ser)

Gene: MYH7 (myosin heavy chain 7; minus strand). Cytogenetic location: 14q11.2.
Variant type: single nucleotide variant.
Coding change: c.2812G>T on transcript NM_000257.4 (MANE Select); coding-DNA position 2812, G replaced by T.
Protein change: p.Ala938Ser; replaces alanine 938 with serine.
Molecular consequence: missense variant.
Genome position (GRCh38, 1-based): chr14:23,424,017, C>A on the plus strand (G>T on the coding strand, the complement: MYH7 is on the minus strand). VCF-style: chr14-23424017-C-A. GRCh37 (hg19) VCF-style: chr14-23893226-C-A.
Other names: short protein forms A938S.
Identifiers: ClinVar variation 188618 (VCV000188618.17), dbSNP rs763082533, ClinGen allele CA013131.
Genomic context (GRCh38, chr14:23,424,017, plus strand): 5'-CCAGATCATCGATGTCCCTTTTGAGCTCTGAGCACTCATCTTCCAGCTTGCGCTTCTTGG[C>A]AGTGAGCTCAGCATTCATCTCCTCCTCATCCTCCAGCCTCTCGTTCATCTCCTTCACCTT-3'
Protein context (NP_000248.2, residues 928-948): DEEEMNAELT[Ala938Ser]KKRKLEDECS

ClinVar aggregate classification (germline): Uncertain significance. Review status: criteria provided, multiple submitters, no conflicts (2 of 4 stars). 6 submissions from 6 submitters: Uncertain significance (6). Last evaluated 2026-05-15.

Conditions:
Cardiovascular phenotype. Identifiers: MedGen CN230736.
Cardiomyopathy (CMYO). Also called: Cardiomyopathies. Identifiers: Orphanet 167848, MedGen C0878544, MONDO:0004994, HP:0001638. Inheritance: Various modes of inheritance.
Hypertrophic cardiomyopathy. Also called: HYPERTROPHIC MYOCARDIOPATHY. Identifiers: Orphanet 217569, MedGen C0007194, MeSH D002312, MONDO:0005045, HP:0001639.

Allele frequency attached by ClinVar (database versions not stated): gnomAD exomes below 0.00001; ExAC 0.00001.

Submissions (6):

Ambry Genetics
Classification: Uncertain significance for Cardiovascular phenotype. Last evaluated: 2026-05-15. Review status: criteria provided, single submitter. Criteria: Ambry Variant Classification Scheme 2023. Collection method: clinical testing. Allele origin: germline.
Comment: The p.A938S variant (also known as c.2812G>T), located in coding exon 21 of the MYH7 gene, results from a G to T substitution at nucleotide position 2812. The alanine at codon 938 is replaced by serine, an amino acid with similar properties. This amino acid position is highly conserved in available vertebrate species. In addition, the in silico prediction for this alteration is inconclusive. Based on the available evidence, the clinical significance of this variant remains unclear.

Labcorp Genetics (formerly Invitae), Labcorp
Classification: Uncertain significance for Hypertrophic cardiomyopathy. Last evaluated: 2026-01-05. Review status: criteria provided, single submitter. Criteria: Invitae Variant Classification Sherloc (09022015). Collection method: clinical testing. Allele origin: germline.
Comment: This sequence change replaces alanine, which is neutral and non-polar, with serine, which is neutral and polar, at codon 938 of the MYH7 protein (p.Ala938Ser). This variant is present in population databases (rs763082533, gnomAD 0.006%). This variant has not been reported in the literature in individuals affected with MYH7-related conditions. ClinVar contains an entry for this variant (Variation ID: 188618). Invitae Evidence Modeling of protein sequence and biophysical properties (such as structural, functional, and spatial information, amino acid conservation, physicochemical variation, residue mobility, and thermodynamic stability) indicates that this missense variant is expected to disrupt MYH7 protein function with a positive predictive value of 95%. In summary, the available evidence is currently insufficient to determine the role of this variant in disease. Therefore, it has been classified as a Variant of Uncertain Significance.

Color Diagnostics, LLC DBA Color Health
Classification: Uncertain significance for Cardiomyopathy. Last evaluated: 2025-07-22. Review status: criteria provided, single submitter. Criteria: ACMG Guidelines, 2015. Collection method: clinical testing. Allele origin: germline.
Comment: This missense variant replaces alanine with serine at codon 938 of the MYH7 protein. Computational prediction is inconclusive regarding the impact of this variant on protein structure and function. To our knowledge, functional studies have not been reported for this variant. This variant has not been reported in individuals affected with MYH7-related disorders in the literature. This variant has been identified in 1/251490 chromosomes in the general population by the Genome Aggregation Database (gnomAD). The available evidence is insufficient to determine the role of this variant in disease conclusively. Therefore, this variant is classified as a Variant of Uncertain Significance.

All of Us Research Program, National Institutes of Health
Classification: Uncertain significance for Cardiomyopathy. Last evaluated: 2024-06-11. Review status: criteria provided, single submitter. Criteria: ACMG Guidelines, 2015. Collection method: clinical testing. Allele origin: germline. Inheritance: Autosomal dominant inheritance. Observed: 3 variant alleles, 3 heterozygotes.
Comment: This study involves interpretation of variants in research participants for the purpose of population health screening. Participant phenotype was not available at the time of variant classification. Additional details can be found in publication PMID: 35346344, PMCID: PMC8962531

Blueprint Genetics
Classification: Uncertain significance. Last evaluated: 2024-01-18. Review status: criteria provided, single submitter. Criteria: ACMG Guidelines, 2015. Collection method: clinical testing. Allele origin: germline.

GeneDx
Classification: Uncertain significance. Last evaluated: 2023-07-20. Review status: criteria provided, single submitter. Criteria: GeneDx Variant Classification Process June 2021. Collection method: clinical testing. Allele origin: germline. Affected: yes.
Comment: Not observed at significant frequency in large population cohorts (gnomAD); In silico analysis supports that this missense variant does not alter protein structure/function; Has not been previously published as pathogenic or benign to our knowledge